The following is an entry in ClinVar:

ClinVar aggregate classification (germline): Uncertain significance. Review status: criteria provided, multiple submitters, no conflicts (2 of 4 stars). 2 submissions from 2 submitters: Uncertain significance (2). Last evaluated 2021-04-05.

Conditions:
Familial adenomatous polyposis 1 (FAP1). Also called: POLYPOSIS, ADENOMATOUS INTESTINAL; FAMILIAL ADENOMATOUS POLYPOSIS 1, ATTENUATED. Identifiers: MedGen C2713442, MONDO:0021056, OMIM 175100. Disease mechanism: loss of function.

Submissions (2):

Labcorp Genetics (formerly Invitae), Labcorp
Classification: Uncertain significance for Familial adenomatous polyposis 1. Last evaluated: 2021-04-05. Review status: criteria provided, single submitter. Criteria: Invitae Variant Classification Sherloc (09022015). Collection method: clinical testing. Allele origin: germline.
Comment: In summary, the available evidence is currently insufficient to determine the role of this variant in disease. Therefore, it has been classified as a Variant of Uncertain Significance. Algorithms developed to predict the effect of missense changes on protein structure and function are either unavailable or do not agree on the potential impact of this missense change (SIFT: "Deleterious"; PolyPhen-2: "Possibly Damaging"; Align-GVGD: "Class C0"). This variant has not been reported in the literature in individuals with APC-related conditions. This variant is not present in population databases (ExAC no frequency). This sequence change replaces alanine with threonine at codon 630 of the APC protein (p.Ala630Thr). The alanine residue is highly conserved and there is a small physicochemical difference between alanine and threonine.

GeneDx
Classification: Uncertain significance. Last evaluated: 2020-04-21. Review status: criteria provided, single submitter. Criteria: GeneDx Variant Classification Process June 2021. Collection method: clinical testing. Allele origin: germline. Affected: yes.
Comment: Not observed in large population cohorts (Lek 2016); In silico analysis supports that this missense variant has a deleterious effect on protein structure/function; Has not been previously published as pathogenic or benign to our knowledge

NM_000038.6(APC):c.1888G>A (p.Ala630Thr)

Gene: APC (APC regulator of Wnt signaling pathway; plus strand). Cytogenetic location: 5q22.2.
Variant type: single nucleotide variant.
Coding change: c.1888G>A on transcript NM_000038.6 (MANE Select); coding-DNA position 1888, G replaced by A.
Protein change: p.Ala630Thr; replaces alanine 630 with threonine.
Molecular consequence: missense variant.
Genome position (GRCh38, 1-based): chr5:112,835,095, G>A. VCF-style: chr5-112835095-G-A. GRCh37 (hg19) VCF-style: chr5-112170792-G-A.
Other names: c.1888G>A, p.Ala630Thr (NM_001127510.3, NM_001354895.2); c.1834G>A, p.Ala612Thr (NM_001127511.3); c.1942G>A, p.Ala648Thr (NM_001354896.2); c.1918G>A, p.Ala640Thr (NM_001354897.2); c.1813G>A, p.Ala605Thr (NM_001354898.2); c.1804G>A, p.Ala602Thr (NM_001354899.2); c.1765G>A, p.Ala589Thr (NM_001354900.2); c.1711G>A, p.Ala571Thr (NM_001354901.2); and 5 more; short protein forms A347T, A470T, A504T, A529T, A539T, A571T, A589T, A602T.
Identifiers: ClinVar variation 1318701 (VCV001318701.10), dbSNP rs1764727939, ClinGen allele CA16025446.